The following is an entry in ClinVar:

ClinVar aggregate classification (germline): Benign (1 of 4 stars; one submission).

Conditions:
TLR2-related disorder. Also called: TLR2-related condition.

gnomAD v4.1: 76,239 of 1,613,916 alleles (4.7%); highest among the groups gnomAD compares: Middle Eastern, 5.5%; 2,163 homozygotes.

Submission:

PreventionGenetics, part of Exact Sciences
Classification: Benign for TLR2-related condition. Last evaluated: 2025-11-17. Review status: criteria provided, single submitter. Criteria: ACMG Guidelines, 2015. Collection method: clinical testing. Allele origin: germline.
Comment: This variant is classified as benign based on ACMG/AMP sequence variant interpretation guidelines (Richards et al. 2015 PMID: 25741868, with internal and published modifications).

NM_001318789.2(TLR2):c.1623C>T (p.Phe541=)

Gene: TLR2 (toll like receptor 2; plus strand). Cytogenetic location: 4q31.3.
Variant type: single nucleotide variant.
Coding change: c.1623C>T on transcript NM_001318789.2 (MANE Select); coding-DNA position 1623, C replaced by T.
Protein change: p.Phe541=; no amino-acid change (phenylalanine 541 retained).
Molecular consequence: synonymous variant.
Genome position (GRCh38, 1-based): chr4:153,704,530, C>T. VCF-style: chr4-153704530-C-T. GRCh37 (hg19) VCF-style: chr4-154625682-C-T.
Other names: c.1623C>T, p.Phe541= (NM_001318787.2, NM_001318790.2, NM_001318791.2 and 4 more transcripts).
Identifiers: ClinVar variation 4996342 (VCV004996342.1).